The following is an entry in ClinVar:

ClinVar aggregate classification (germline): Uncertain significance (1 of 4 stars; one submission).

Conditions:
Marfan syndrome (MFS). Also called: Marfan's syndrome; Marfan syndrome, classic; MARFAN SYNDROME, TYPE I; Marfan syndrome type 1; FBN1-Related Marfan Syndrome. Identifiers: Orphanet 284963, Orphanet 558, MedGen C0024796, MONDO:0007947, OMIM 154700.
Familial thoracic aortic aneurysm and aortic dissection (TAAD). Also called: Thoracic aortic aneurysms and dissections. Identifiers: Orphanet 91387, MedGen C4707243, MONDO:0019625.

Submission:

Labcorp Genetics (formerly Invitae), Labcorp
Classification: Uncertain significance for Marfan syndrome; Familial thoracic aortic aneurysm and aortic dissection. Last evaluated: 2022-08-13. Review status: criteria provided, single submitter. Criteria: Invitae Variant Classification Sherloc (09022015). Collection method: clinical testing. Allele origin: germline.
Comment: In summary, the available evidence is currently insufficient to determine the role of this variant in disease. Therefore, it has been classified as a Variant of Uncertain Significance. This sequence change replaces tryptophan, which is neutral and slightly polar, with cysteine, which is neutral and slightly polar, at codon 2602 of the FBN1 protein (p.Trp2602Cys). This variant is not present in population databases (gnomAD no frequency). This variant has not been reported in the literature in individuals affected with FBN1-related conditions. Advanced modeling of protein sequence and biophysical properties (such as structural, functional, and spatial information, amino acid conservation, physicochemical variation, residue mobility, and thermodynamic stability) performed at Invitae indicates that this missense variant is expected to disrupt FBN1 protein function.

NM_000138.5(FBN1):c.7806G>C (p.Trp2602Cys)

Gene: FBN1 (fibrillin 1; minus strand). Cytogenetic location: 15q21.1.
Variant type: single nucleotide variant.
Coding change: c.7806G>C on transcript NM_000138.5 (MANE Select); coding-DNA position 7806, G replaced by C.
Protein change: p.Trp2602Cys; replaces tryptophan 2602 with cysteine.
Molecular consequence: missense variant.
Genome position (GRCh38, 1-based): chr15:48,420,700, C>G on the plus strand (G>C on the coding strand, the complement: FBN1 is on the minus strand). VCF-style: chr15-48420700-C-G. GRCh37 (hg19) VCF-style: chr15-48712897-C-G.
Other names: c.7806G>C, p.Trp2602Cys (NM_001406716.1); short protein forms W2602C.
Identifiers: ClinVar variation 1716324 (VCV001716324.5), dbSNP rs193922236, ClinGen allele CA392324456.
Genomic context (GRCh38, chr15:48,420,700, plus strand): 5'-TAGGACCTGATAGCCATGCATCTTGAGAGTGAGGAAAAGTTACTTGCCAACACACTGGTT[C>G]CACTGGTAGTGCTGGAGGTAGCCCTGGGGGCAGCTGCACCTGTAGCCCCCAATGATGTTC-3'
Protein context (NP_000129.3, residues 2592-2612): CPQGYLQHYQ[Trp2602Cys]NQCVDENECL